The following is an entry in ClinVar:

NM_001735.3(C5):c.1242T>A (p.Asp414Glu)

Gene: C5 (complement C5; minus strand). Cytogenetic location: 9q33.2.
Variant type: single nucleotide variant.
Coding change: c.1242T>A on transcript NM_001735.3 (MANE Select); coding-DNA position 1242, T replaced by A.
Protein change: p.Asp414Glu; replaces aspartic acid 414 with glutamic acid.
Molecular consequence: missense variant.
Genome position (GRCh38, 1-based): chr9:121,021,569, A>T on the plus strand (T>A on the coding strand, the complement: C5 is on the minus strand). VCF-style: chr9-121021569-A-T. GRCh37 (hg19) VCF-style: chr9-123783847-A-T.
Other names: c.1260T>A, p.Asp420Glu (NM_001317163.2); c.1242T>A, p.Asp414Glu (NM_001317164.2); short protein forms D414E, D420E.
Identifiers: ClinVar variation 2126581 (VCV002126581.2), dbSNP rs370211554, ClinGen allele CA199385838.
Genomic context (GRCh38, chr9:121,021,569, plus strand): 5'-ATTAAACTCCAGCACCGTCACTCCAGATGGGAGATTAAGCACAAAGGAAGCTACTCCATC[A>T]TCAACACGTGTTACACTTTTGCTTGGATCCAAGTCAGATGTCTCTTGGTTTACATCAATT-3'
Protein context (NP_001726.2, residues 404-424): LDPSKSVTRV[Asp414Glu]DGVASFVLNL

ClinVar aggregate classification (germline): Uncertain significance. Review status: criteria provided, multiple submitters, no conflicts (2 of 4 stars). 2 submissions from 2 submitters: Uncertain significance (2). Last evaluated 2025-04-10.

Allele frequency attached by ClinVar (database versions not stated): gnomAD exomes 0.00001; ESP Exome Variant Server 0.00008; TOPMed 0.00001.
gnomAD v4.1: 13 of 1,614,040 alleles (0.00081%); highest among the groups gnomAD compares: Non-Finnish European, 0.0011%; no homozygotes.

Submissions (2):

Ambry Genetics
Classification: Uncertain significance. Last evaluated: 2025-04-10. Review status: criteria provided, single submitter. Criteria: Ambry Variant Classification Scheme 2023. Collection method: clinical testing. Allele origin: germline.

Labcorp Genetics (formerly Invitae), Labcorp
Classification: Uncertain significance. Last evaluated: 2022-04-02. Review status: criteria provided, single submitter. Criteria: Invitae Variant Classification Sherloc (09022015). Collection method: clinical testing. Allele origin: germline.
Comment: This sequence change replaces aspartic acid, which is acidic and polar, with glutamic acid, which is acidic and polar, at codon 414 of the C5 protein (p.Asp414Glu). This variant is not present in population databases (gnomAD no frequency). This variant has not been reported in the literature in individuals affected with C5-related conditions. Algorithms developed to predict the effect of missense changes on protein structure and function (SIFT, PolyPhen-2, Align-GVGD) all suggest that this variant is likely to be tolerated. In summary, the available evidence is currently insufficient to determine the role of this variant in disease. Therefore, it has been classified as a Variant of Uncertain Significance.